The following is an entry in ClinVar:

NM_001829.4(CLCN3):c.885C>G (p.Ile295Met)

Gene: CLCN3 (chloride voltage-gated channel 3; plus strand). Cytogenetic location: 4q33.
Variant type: single nucleotide variant.
Coding change: c.885C>G on transcript NM_001829.4 (MANE Select); coding-DNA position 885, C replaced by G.
Protein change: p.Ile295Met; replaces isoleucine 295 with methionine.
Molecular consequence: missense variant.
Genome position (GRCh38, 1-based): chr4:169,692,269, C>G. VCF-style: chr4-169692269-C-G. GRCh37 (hg19) VCF-style: chr4-170613420-C-G.
Other names: c.885C>G, p.Ile295Met (NM_001243372.2, NM_173872.4); c.804C>G, p.Ile268Met (NM_001243374.2); short protein forms I268M, I295M.
Identifiers: ClinVar variation 3776458 (VCV003776458.1).
Genomic context (GRCh38, chr4:169,692,269, plus strand): 5'-AGGTTTGAGTTTAGGAAAAGAAGGTCCCCTGGTACATGTTGCCTGTTGCTGCGGAAATAT[C>G]TTTTCCTACCTCTTTCCAAAGTATAGCACAAACGAAGCTAAAAAAAGGGAGGTAAGTGTC-3'
Protein context (NP_001820.2, residues 285-305): LVHVACCCGN[Ile295Met]FSYLFPKYST

ClinVar aggregate classification (germline): Uncertain significance (1 of 4 stars; one submission).

Submission:

GeneDx
Classification: Uncertain significance. Last evaluated: 2024-10-01. Review status: criteria provided, single submitter. Criteria: GeneDx Variant Classification Process June 2021. Collection method: clinical testing. Allele origin: germline. Affected: yes.
Comment: Not observed at significant frequency in large population cohorts (gnomAD); In silico analysis indicates that this missense variant does not alter protein structure/function; Has not been previously published as pathogenic or benign to our knowledge